The following is an entry in ClinVar:

ClinVar aggregate classification (germline): Pathogenic/Likely pathogenic. Review status: criteria provided, multiple submitters, no conflicts (2 of 4 stars). 17 submissions from 17 submitters: Pathogenic (10); Likely pathogenic (3). 4 of the submissions do not count toward it. Last evaluated 2025-12-05.

Conditions:
GNE myopathy (NM). Also called: MYOPATHY, DISTAL, WITH OR WITHOUT RIMMED VACUOLES; IBM 2; Inclusion body myopathy autosomal recessive; Inclusion body myopathy quadriceps sparing; NONAKA DISTAL MYOPATHY; INCLUSION BODY MYOPATHY, HEREDITARY, AUTOSOMAL RECESSIVE. Identifiers: Orphanet 602, MedGen C1853926, MONDO:0011603, OMIM 605820.
Thrombocytopenia 12 with or without myopathy (THC12). Identifiers: MedGen C5935593, MONDO:0958325, OMIM 620757.
Sialuria. Also called: SIALURIA, FRENCH TYPE; Sialic Acid Storage Disease. Identifiers: Orphanet 3166, MedGen C0342853, MONDO:0010028, OMIM 269921.
GNE-related disorders.
Myopathy, autophagic vacuolar, infantile-onset. Identifiers: MedGen C2931230, MONDO:0012286, OMIM 609500.

Allele frequency attached by ClinVar (database versions not stated): TOPMed 0.00002; gnomAD exomes 0.00003 and 0.00007.

Submissions (17):

3billion
Classification: Pathogenic for GNE myopathy. Last evaluated: 2025-12-05. Review status: criteria provided, single submitter. Criteria: ACMG Guidelines, 2015. Collection method: clinical testing. Allele origin: germline. Affected: yes.
Comment: The variant is observed at an extremely low frequency in the gnomAD v4.1.0 dataset (total allele frequency: 0.006%). Predicted Consequence/Location: Missense variant In silico tool prediction suggests damaging effect of the variant on gene or gene product [3Cnet: 0.99 (> 0.75, sensitivity 0.96 and precision 0.92)]. The same nucleotide change resulting in the same amino acid change has been previously reported as pathogenic/likely pathogenic with strong evidence (ClinVar ID: VCV000006030 /PMID: 11528398). The variant has been reported to be in trans with a pathogenic variant as either compound heterozygous or homozygous in at least 2 similarly affected unrelated individuals (PMID: 17098358, 29406958, 29480215). The variant has been reported to co-segregate with the disease in at least one similarly affected relative/individual in the same family or similarly affected unrelated families (PMID: 17098358). Different missense changes at the same codon (p.Arg246Leu, p.Arg246Trp) have been reported as pathogenic/likely pathogenic with strong evidence (ClinVar ID: VCV000197184 /PMID: 12409274, 25986339). Therefore, this variant is classified as Pathogenic according to the recommendation of ACMG/AMP guideline.

Natera, Inc.
Classification: Pathogenic for Nonaka myopathy. Last evaluated: 2025-07-28. Review status: criteria provided, single submitter. Criteria: Natera Variant Classification Schema (03/2026). Collection method: clinical testing. Allele origin: germline.
Comment: The c.830G>A variant in GNE is a missense variant predicted to cause substitution of arginine to glutamine at amino acid 277. This variant is rare in the general population with a frequency below the threshold expected for the associated phenotype(s). This variant has been observed in one or more individuals affected with the associated recessive disease, as either homozygous or compound heterozygous with a second variant (PMID: 30390020). Given the available evidence, this variant is classified as Pathogenic.

Labcorp Genetics (formerly Invitae), Labcorp
Classification: Pathogenic for Sialuria; GNE myopathy. Last evaluated: 2025-07-19. Review status: criteria provided, single submitter. Criteria: Invitae Variant Classification Sherloc (09022015). Collection method: clinical testing. Allele origin: germline.
Comment: This sequence change replaces arginine, which is basic and polar, with glutamine, which is neutral and polar, at codon 277 of the GNE protein (p.Arg277Gln). This variant is present in population databases (rs121908629, gnomAD 0.01%). This missense change has been observed in individuals with autosomal recessive distal myopathy (PMID: 24695763, 29406958, 29480215). It has also been observed to segregate with disease in related individuals. This variant is also known as p.R246Q. ClinVar contains an entry for this variant (Variation ID: 6030). Invitae Evidence Modeling of protein sequence and biophysical properties (such as structural, functional, and spatial information, amino acid conservation, physicochemical variation, residue mobility, and thermodynamic stability) has been performed for this missense variant. However, the output from this modeling did not meet the statistical confidence thresholds required to predict the impact of this variant on GNE protein function. This variant disrupts the p.Arg277 amino acid residue in GNE. Other variant(s) that disrupt this residue have been determined to be pathogenic (PMID: 15987957, 22507750, 26231298). This suggests that this residue is clinically significant, and that variants that disrupt this residue are likely to be disease-causing. For these reasons, this variant has been classified as Pathogenic.

Fulgent Genetics
Classification: Pathogenic for Sialuria; GNE myopathy; Thrombocytopenia 12 with or without myopathy. Last evaluated: 2024-04-05. Review status: criteria provided, single submitter. Criteria: ACMG Guidelines, 2015. Collection method: clinical testing. Allele origin: germline.

Muscle and Diseases Team, Institut de Génétique et Biologie Moléculaire et Cellulaire
Classification: Likely pathogenic for Myopathy, autophagic vacuolar, infantile-onset. Last evaluated: 2024-03-01. Review status: criteria provided, single submitter. Criteria: ACMG Guidelines, 2015. Collection method: research. Allele origin: maternal. Affected: yes. Observed: 1 variant allele.
Comment: PM1+PM2+PM5+PP2+PP3+PP4+PP5

Women's Health and Genetics/Laboratory Corporation of America, LabCorp
Classification: Pathogenic for GNE myopathy. Last evaluated: 2024-01-19. Review status: criteria provided, single submitter. Criteria: LabCorp Variant Classification Summary - May 2015. Collection method: clinical testing. Allele origin: germline.
Comment: Variant summary: GNE c.830G>A (p.Arg277Gln) results in a conservative amino acid change located in the UDP-N-acetylglucosamine 2-epimerase domain (IPR003331) of the encoded protein sequence. Three of five in-silico tools predict a benign effect of the variant on protein function. The variant allele was found at a frequency of 2.8e-05 in 251416 control chromosomes (gnomAD). c.830G>A has been reported in the literature as a biallelic genotype in multiple individuals affected with Inclusion Body Myopathy 2 (e.g. Lv_2022). These data indicate that the variant is very likely to be associated with disease. The following publication has been ascertained in the context of this evaluation (PMID: 35138478). ClinVar contains an entry for this variant (Variation ID: 6030). Based on the evidence outlined above, the variant was classified as pathogenic.

Blueprint Genetics
Classification: Pathogenic for GNE-related disorders. Last evaluated: 2023-03-30. Review status: criteria provided, single submitter. Criteria: ACMG Guidelines, 2015. Collection method: clinical testing. Allele origin: germline. Affected: yes. Observed: 5 variant alleles.

GeneDx
Classification: Pathogenic. Last evaluated: 2023-02-13. Review status: criteria provided, single submitter. Criteria: GeneDx Variant Classification Process June 2021. Collection method: clinical testing. Allele origin: germline. Affected: yes.
Comment: Missense variants in this gene are often considered pathogenic (HGMD); In silico analysis supports that this missense variant does not alter protein structure/function; Also known as R246Q using alternate nomenclature; This variant is associated with the following publications: (PMID: 19917666, 24027297, 25966635, 15146476, 24695763, 11528398, 29406958, 20301439, 31589614, 24796702, 33250842, 33214394, 22231866, 34676965, 30390020)

CeGaT Center for Human Genetics Tuebingen
Classification: Pathogenic. Last evaluated: 2022-11-01. Review status: criteria provided, single submitter. Criteria: CeGaT Center For Human Genetics Tuebingen Variant Classification Criteria Version 2. Collection method: clinical testing. Allele origin: germline. Affected: yes. Observed: 1 variant allele.
Comment: GNE: PM3:Very Strong, PM2, PM5, PP1, PP3

MGZ Medical Genetics Center
Classification: Pathogenic for GNE myopathy. Last evaluated: 2022-01-18. Review status: criteria provided, single submitter. Criteria: ACMG Guidelines, 2015. Collection method: clinical testing. Allele origin: germline. Affected: yes. Observed: 2 variant alleles.
Comment: ACMG criteria applied: PS4, PM3, PM5, PM2_SUP, PP3

Kariminejad - Najmabadi Pathology & Genetics Center
Classification: Likely pathogenic for GNE myopathy. Last evaluated: 2021-07-17. Review status: criteria provided, single submitter. Criteria: ACMG Guidelines, 2015. Collection method: clinical testing. Allele origin: germline. Inheritance: Autosomal recessive inheritance. Affected: yes. Observed: 2 variant alleles.
Comment: PM2,PM3_Very Strong,PP2

Revvity Omics, Revvity
Classification: Likely pathogenic. Last evaluated: 2020-03-11. Review status: criteria provided, single submitter. Criteria: ACMG Guidelines, 2015. Collection method: clinical testing. Allele origin: germline.

Eurofins Ntd Llc (ga)
Classification: Pathogenic. Last evaluated: 2017-01-26. Review status: criteria provided, single submitter. Criteria: EGL Classification Definitions 2015. Collection method: clinical testing. Allele origin: germline. Observed: 2 variant alleles, 1 heterozygote, 1 homozygote.

Counsyl
Classification: Likely pathogenic for GNE myopathy. Last evaluated: 2015-12-29. Review status: no assertion criteria provided. Collection method: clinical testing. Allele origin: unknown. Not counted in ClinVar's aggregate classification.

Sema4
Classification: Pathogenic for Inclusion body myopathy 2. Last evaluated: 2014-11-01. Review status: no assertion criteria provided. Collection method: clinical testing. Allele origin: germline. Inheritance: Autosomal recessive inheritance. Affected: yes. Observed: 4 variant alleles, 4 homozygotes. Not counted in ClinVar's aggregate classification.
Comment: 4 patients from two non-Jewish Persian families were homozygous for this variant

OMIM
Classification: Pathogenic for NONAKA MYOPATHY. Last evaluated: 2001-09-01. Review status: no assertion criteria provided. Collection method: literature only. Allele origin: germline. Not counted in ClinVar's aggregate classification.

GeneReviews
No classification provided. Condition: GNE myopathy. Review status: no classification provided. Collection method: literature only. Allele origin: germline. Not counted in ClinVar's aggregate classification.

Literature cited by the submitters: PubMed 29406958 (cited by 3 submitters); PubMed 11528398 (cited by 4 submitters); PubMed 12409274 (cited by 3billion); PubMed 17098358 (cited by 3 submitters); PubMed 29480215 (cited by 3billion and Labcorp Genetics (formerly Invitae), Labcorp); PubMed 30390020 (cited by Natera, Inc. and GeneReviews); PubMed 24695763 (cited by 3 submitters); PubMed 15987957 (cited by Labcorp Genetics (formerly Invitae), Labcorp); PubMed 22507750 (cited by Labcorp Genetics (formerly Invitae), Labcorp); PubMed 26231298 (cited by Labcorp Genetics (formerly Invitae), Labcorp); DOI 10.1186/s13073-024-01353-0 (cited by Muscle and Diseases Team, Institut de Génétique et Biologie Moléculaire et Cellulaire); PubMed 35138478 (cited by Women's Health and Genetics/Laboratory Corporation of America, LabCorp); PubMed 15146476 (cited by Eurofins Ntd Llc (ga) and Counsyl); PubMed 24027297 (cited by Counsyl and GeneReviews); PubMed 25966635 (cited by Counsyl); PubMed 17261181 (cited by Counsyl); PubMed 24796702 (cited by Counsyl and GeneReviews); PubMed 19917666 (cited by Counsyl); PubMed 20059379 (cited by Counsyl); PubMed 31286697 (cited by GeneReviews); PubMed 27858732 (cited by GeneReviews); PubMed 28320138 (cited by GeneReviews); PubMed 25986339 (cited by GeneReviews); PubMed 20301439 (cited by GeneReviews).

NM_005476.7(GNE):c.737G>A (p.Arg246Gln)

Gene: GNE (glucosamine (UDP-N-acetyl)-2-epimerase/N-acetylmannosamine kinase; minus strand). Cytogenetic location: 9p13.3.
Variant type: single nucleotide variant.
Coding change: c.737G>A on transcript NM_005476.7 (MANE Select); coding-DNA position 737, G replaced by A.
Protein change: p.Arg246Gln; replaces arginine 246 with glutamine.
Molecular consequence: missense variant. On other transcripts: intron variant (2).
Genome position (GRCh38, 1-based): chr9:36,236,864, C>T on the plus strand (G>A on the coding strand, the complement: GNE is on the minus strand). VCF-style: chr9-36236864-C-T. GRCh37 (hg19) VCF-style: chr9-36236861-C-T.
Other names: c.830G>A, p.Arg277Gln (NM_001128227.3); c.737G>A, p.Arg246Gln (NM_001190383.3); c.560G>A, p.Arg187Gln (NM_001190388.2, NM_001374798.1); c.440-2732G>A (NM_001190384.3); c.617-2732G>A (NM_001374797.1); short protein forms R246Q, R277Q, R187Q.
Identifiers: ClinVar variation 6030 (VCV000006030.62), dbSNP rs121908629, ClinGen allele CA253699.